The following is an entry in ClinVar:

ClinVar aggregate classification (germline): Benign. Review status: criteria provided, multiple submitters, no conflicts (2 of 4 stars). 3 submissions from 3 submitters: Benign (3). Last evaluated 2024-01-24.

Conditions:
Mendelian susceptibility to mycobacterial diseases due to complete IL12RB1 deficiency. Also called: IL12RB1 DEFICIENCY; Immunodeficiency 30. Identifiers: Orphanet 319552, MedGen C4013949, MONDO:0013955, OMIM 614891.

Allele frequency attached by ClinVar (database versions not stated): 1000 Genomes Project 30x 0.18488; gnomAD 0.28316 and 0.28245; gnomAD exomes 0.30162 and 0.33780; 1000 Genomes Project 0.18630; ESP Exome Variant Server 0.28485; ExAC 0.30902; TOPMed 0.25517.
gnomAD v4.1: 254,356 of 778,530 alleles (33%); highest among the groups gnomAD compares: Non-Finnish European, 39%; 45,881 homozygotes.

Submissions (3):

Unidad de Genómica Garrahan, Hospital de Pediatría Garrahan
Classification: Benign. Last evaluated: 2024-01-24. Review status: criteria provided, single submitter. Criteria: ACMG Guidelines, 2015. Collection method: clinical testing. Allele origin: germline. Affected: no. Observed: 44 variant alleles.
Comment: This variant is classified as Benign based on local population frequency. This variant was detected in 50% of patients studied by a panel of primary immunodeficiencies. Number of patients: 44. Only high quality variants are reported.

Illumina Laboratory Services, Illumina
Classification: Benign for Mendelian susceptibility to mycobacterial diseases due to complete IL12RB1 deficiency. Last evaluated: 2018-01-12. Review status: criteria provided, single submitter. Criteria: ICSL Variant Classification Criteria 13 December 2019. Collection method: clinical testing. Allele origin: germline.
Comment: This variant was observed in the ICSL laboratory as part of a predisposition screen in an ostensibly healthy population. It had not been previously curated by ICSL or reported in the Human Gene Mutation Database (HGMD: prior to June 1st, 2018), and was therefore a candidate for classification through an automated scoring system. Utilizing variant allele frequency, disease prevalence and penetrance estimates, and inheritance mode, an automated score was calculated to assess if this variant is too frequent to cause the disease. Based on the score and internal cut-off values, a variant classified as benign is not then subjected to further curation. The score for this variant resulted in a classification of benign for this disease.

Breakthrough Genomics
Classification: Benign. Review status: criteria provided, single submitter. Criteria: ACMG Guidelines, 2015. Collection method: not provided. Allele origin: germline. Inheritance: Autosomal recessive inheritance. Affected: yes.

NM_005535.3(IL12RB1):c.*34C>T

Gene: IL12RB1 (interleukin 12 receptor subunit beta 1; minus strand). Cytogenetic location: 19p13.11.
Variant type: single nucleotide variant.
Coding change: c.*34C>T on transcript NM_005535.3 (MANE Select); 34 bases downstream of the stop codon, C replaced by T.
Molecular consequence: 3 prime UTR variant.
Genome position (GRCh38, 1-based): chr19:18,059,574, G>A on the plus strand (C>T on the coding strand, the complement: IL12RB1 is on the minus strand). VCF-style: chr19-18059574-G-A. GRCh37 (hg19) VCF-style: chr19-18170384-G-A.
Other names: c.*27C>T (NM_001290023.2); c.*34C>T (NM_001290024.2).
Identifiers: ClinVar variation 328572 (VCV000328572.8), dbSNP rs3746190, ClinGen allele CA9304605.